The following is an entry in ClinVar:

ClinVar aggregate classification (germline): Benign/Likely benign. Review status: criteria provided, multiple submitters, no conflicts (2 of 4 stars). 3 submissions from 3 submitters: Benign (1); Likely benign (2). Last evaluated 2024-11-08.

Conditions:
Hereditary cancer-predisposing syndrome. Also called: Tumor predisposition; Neoplastic Syndromes, Hereditary; Hereditary Cancer Syndrome; Hereditary neoplastic syndrome. Identifiers: Orphanet 140162, MedGen C0027672, MeSH D009386, MONDO:0015356.
Renal cell carcinoma. Identifiers: Orphanet 217071, MedGen C0007134, MeSH D002292, MONDO:0005086, HP:0005584.
Papillary renal cell carcinoma type 1 (RCCP1). Also called: Renal adenocarcinoma; Renal cell carcinoma 1; Renal cell carcinoma, somatic; RENAL CELL CARCINOMA, PAPILLARY, 1, SOMATIC. Identifiers: Orphanet 47044, MedGen C1336839, OMIM 605074, HP:0011797.

Allele frequency attached by ClinVar (database versions not stated): gnomAD exomes below 0.00001; TOPMed below 0.00001.
gnomAD v4.1: 2 of 1,613,936 alleles (0.00012%); highest among the groups gnomAD compares: Non-Finnish European, 0.00017%; no homozygotes.

Submissions (3):

Myriad Genetics, Inc.
Classification: Benign for Papillary renal cell carcinoma type 1. Last evaluated: 2024-11-08. Review status: criteria provided, single submitter. Criteria: Myriad Autosomal Dominant, Autosomal Recessive and X-Linked Classification Criteria (2023). Collection method: clinical testing. Allele origin: unknown.
Comment: This variant is considered benign. This variant is a silent/synonymous amino acid change and it is not expected to impact splicing.

Labcorp Genetics (formerly Invitae), Labcorp
Classification: Likely benign for Renal cell carcinoma. Last evaluated: 2024-04-25. Review status: criteria provided, single submitter. Criteria: Invitae Variant Classification Sherloc (09022015). Collection method: clinical testing. Allele origin: germline.

Ambry Genetics
Classification: Likely benign for Hereditary cancer-predisposing syndrome. Last evaluated: 2021-07-16. Review status: criteria provided, single submitter. Criteria: Ambry Variant Classification Scheme 2023. Collection method: clinical testing. Allele origin: germline.

NM_000245.4(MET):c.2088A>G (p.Thr696=)

Gene: MET (MET proto-oncogene, receptor tyrosine kinase; plus strand). Cytogenetic location: 7q31.2.
Variant type: single nucleotide variant.
Coding change: c.2088A>G on transcript NM_000245.4 (MANE Select); coding-DNA position 2088, A replaced by G.
Protein change: p.Thr696=; no amino-acid change (threonine 696 retained).
Molecular consequence: synonymous variant.
Genome position (GRCh38, 1-based): chr7:116,757,760, A>G. VCF-style: chr7-116757760-A-G. GRCh37 (hg19) VCF-style: chr7-116397814-A-G.
Other names: c.2088A>G, p.Thr696= (NM_001127500.3, NM_001324401.3); c.798A>G, p.Thr266= (NM_001324402.2).
Identifiers: ClinVar variation 1645097 (VCV001645097.11), dbSNP rs201378674, ClinGen allele CA164893615.